The following continues an entry in ClinVar:

NM_000059.4(BRCA2):c.2883G>A (p.Gln961=)

Gene: BRCA2. ClinVar aggregate classification (germline): Benign. Benign (1).

Submissions 23 to 34 of 34:

Molecular Genetics Laboratory, University of Michigan
Classification: Benign for Breast-ovarian cancer, familial, susceptibility to, 2. Last evaluated: 2014-11-03. Review status: criteria provided, single submitter. Criteria: ACMG Guidelines, 2015. Collection method: clinical testing. Allele origin: germline. Affected: yes. Not counted in ClinVar's aggregate classification.

Ambry Genetics
Classification: Likely benign for Hereditary cancer-predisposing syndrome. Last evaluated: 2014-07-17. Review status: criteria provided, single submitter. Criteria: Ambry Variant Classification Scheme 2023. Collection method: clinical testing. Allele origin: germline. Not counted in ClinVar's aggregate classification.

Eurofins Ntd Llc (ga)
Classification: Likely benign. Last evaluated: 2014-05-08. Review status: criteria provided, single submitter. Criteria: EGL Classification Definitions 2015. Collection method: clinical testing. Allele origin: germline. Observed: 1 variant allele, 1 heterozygote. Not counted in ClinVar's aggregate classification.

Women's Health and Genetics/Laboratory Corporation of America, LabCorp
Classification: Benign for Hereditary breast ovarian cancer syndrome. Last evaluated: 2014-02-27. Review status: criteria provided, single submitter. Criteria: LabCorp Variant Classification Summary - May 2015. Collection method: clinical testing. Allele origin: germline. Not counted in ClinVar's aggregate classification.

Counsyl
Classification: Likely benign for Breast-ovarian cancer, familial 2. Last evaluated: 2014-02-27. Review status: no assertion criteria provided. Collection method: literature only. Allele origin: unknown. Inheritance: Autosomal dominant inheritance. Not counted in ClinVar's aggregate classification.

Sharing Clinical Reports Project (SCRP)
Classification: Benign for Breast-ovarian cancer, familial 2. Last evaluated: 2011-03-09. Review status: no assertion criteria provided. Collection method: clinical testing. Allele origin: germline. Not counted in ClinVar's aggregate classification.

Breast Cancer Information Core (BIC) (BRCA2)
Classification: Uncertain significance for Breast-ovarian cancer, familial 2. Last evaluated: 2002-05-29. Review status: no assertion criteria provided. Collection method: clinical testing. Allele origin: germline. Affected: yes. Observed: 7 variant alleles. Not counted in ClinVar's aggregate classification.

Clinical Genetics Laboratory, Department of Pathology, Netherlands Cancer Institute
Classification: Benign. Review status: no assertion criteria provided. Collection method: clinical testing. Allele origin: germline. Affected: yes. Study: VKGL Data-share Consensus. Not counted in ClinVar's aggregate classification.

Department of Pathology and Laboratory Medicine, Sinai Health System
Classification: Benign. Review status: no assertion criteria provided. Collection method: clinical testing. Allele origin: unknown. Affected: yes. Study: The Canadian Open Genetics Repository (COGR). Not counted in ClinVar's aggregate classification.

Diagnostic Laboratory, Department of Genetics, University Medical Center Groningen
Classification: Benign for Breast-ovarian cancer, familial, susceptibility to, 2. Review status: no assertion criteria provided. Collection method: clinical testing. Allele origin: germline. Affected: yes. Study: VKGL Data-share Consensus. Not counted in ClinVar's aggregate classification.

Joint Genome Diagnostic Labs from Nijmegen and Maastricht, Radboudumc and MUMC+
Classification: Benign. Review status: no assertion criteria provided. Collection method: clinical testing. Allele origin: germline. Affected: yes. Study: VKGL Data-share Consensus. Not counted in ClinVar's aggregate classification.

Laboratory of Diagnostic Genome Analysis, Leiden University Medical Center (LUMC)
Classification: Benign. Review status: no assertion criteria provided. Collection method: clinical testing. Allele origin: germline. Affected: yes. Study: VKGL Data-share Consensus. Not counted in ClinVar's aggregate classification.

Literature cited by the submitters: DOI 10.3389/fgene.2022.834265 (cited by National Health Laboratory Service, Universitas Academic Hospital and University of the Free State); PubMed 27376475 (cited by Illumina Laboratory Services, Illumina); PubMed 28324225 (cited by Illumina Laboratory Services, Illumina); PubMed 25085752 (cited by Illumina Laboratory Services, Illumina); PubMed 20927582 (cited by Illumina Laboratory Services, Illumina and Women's Health and Genetics/Laboratory Corporation of America, LabCorp); PubMed 16758124 (cited by Illumina Laboratory Services, Illumina); PubMed 19229607 (cited by 3 submitters); PubMed 20104584 (cited by Women's Health and Genetics/Laboratory Corporation of America, LabCorp); PubMed 12474142 (cited by Women's Health and Genetics/Laboratory Corporation of America, LabCorp and Counsyl); PubMed 9971877 (cited by Women's Health and Genetics/Laboratory Corporation of America, LabCorp and Counsyl); PubMed 20054658 (cited by Women's Health and Genetics/Laboratory Corporation of America, LabCorp); PubMed 15617999 (cited by Women's Health and Genetics/Laboratory Corporation of America, LabCorp); PubMed 16047333 (cited by Women's Health and Genetics/Laboratory Corporation of America, LabCorp).